The following is an entry in ClinVar:

NM_001267550.2(TTN):c.39250G>T (p.Val13084Leu)

Gene: TTN (titin; minus strand). Cytogenetic location: 2q31.2.
Variant type: single nucleotide variant.
Coding change: c.39250G>T on transcript NM_001267550.2 (MANE Select); coding-DNA position 39250, G replaced by T.
Protein change: p.Val13084Leu; replaces valine 13084 with leucine.
Molecular consequence: missense variant. On other transcripts: intron variant (3).
Genome position (GRCh38, 1-based): chr2:178,652,141, C>A on the plus strand (G>T on the coding strand, the complement: TTN is on the minus strand). VCF-style: chr2-178652141-C-A. GRCh37 (hg19) VCF-style: chr2-179516868-C-A.
Other names: p.V11577L:GTG>TTG; c.34729G>T, p.Val11577Leu (NM_001256850.1); c.31948G>T, p.Val10650Leu (NM_133378.4); c.13283-9824G>T (NM_003319.4); c.13859-9824G>T (NM_133437.4); c.13658-9824G>T (NM_133432.3); short protein forms V11577L, V13084L, V10650L.
Identifiers: ClinVar variation 202602 (VCV000202602.32), dbSNP rs72650062, ClinGen allele CA309718.
Genomic context (GRCh38, chr2:178,652,141, plus strand): 5'-TAGTTTCATTATTACCTTCAGGGGGAGGACTTTCCGGTTTGGGAGGAATAGCTTCAGGCA[C>A]CTTCTTTTCTGGGACAGCTACCTTTGGCACCTCTGGGACTTTAAAAGATATTATTATTTT-3'
Protein context (NP_001254479.2, residues 13074-13094): VPKVAVPEKK[Val13084Leu]PEAIPPKPES

ClinVar aggregate classification (germline): Conflicting classifications of pathogenicity. Review status: criteria provided, conflicting classifications (1 of 4 stars). 8 submissions from 8 submitters: Uncertain significance (7); Likely benign (1). Last evaluated 2026-01-19.

Conditions:
TTN-related disorder. Also called: TTN-related condition; TTN-related disease; TTN-related disorders.
Autosomal recessive limb-girdle muscular dystrophy type 2J (LGMDR10). Also called: Limb-girdle muscular dystrophy, type 2J; MUSCULAR DYSTROPHY, LIMB-GIRDLE, AUTOSOMAL RECESSIVE 10. Identifiers: Orphanet 140922, MedGen C1837342, MONDO:0012127, OMIM 608807.
Dilated cardiomyopathy 1G (CMD1G). Identifiers: Orphanet 154, MedGen C1858763, MONDO:0011400, OMIM 604145.

Allele frequency attached by ClinVar (database versions not stated): gnomAD exomes 0.00002; gnomAD 0.00004 and 0.00005; TOPMed 0.00006; ESP Exome Variant Server 0.00017.
gnomAD v4.1: 40 of 1,612,232 alleles (0.0025%); highest among the groups gnomAD compares: Admixed American, 0.033%; no homozygotes.

Submissions (8):

Women's Health and Genetics/Laboratory Corporation of America, LabCorp
Classification: Uncertain significance. Last evaluated: 2026-01-19. Review status: criteria provided, single submitter. Criteria: LabCorp Variant Classification Summary - May 2015. Collection method: clinical testing. Allele origin: germline.
Comment: Variant summary: TTN c.31948G>T (p.Val10650Leu) results in a conservative amino acid change in the encoded protein sequence. Algorithms developed to predict the effect of missense changes on protein structure and function are either unavailable or do not agree on the potential impact of this missense change. The variant allele was found at a frequency of 7.6e-05 in 248882 control chromosomes. This frequency is not significantly higher than estimated for disease-causing variants in TTN, allowing no conclusion about variant significance. To our knowledge, no occurrence of c.31948G>T in individuals affected with TTN-related conditions and no experimental evidence demonstrating its impact on protein function have been reported. ClinVar contains an entry for this variant (Variation ID: 202602). Based on the evidence outlined above, the variant was classified as uncertain significance.

PreventionGenetics, part of Exact Sciences
Classification: Uncertain significance for TTN-related condition. Last evaluated: 2025-07-09. Review status: criteria provided, single submitter. Criteria: ACMG Guidelines, 2015. Collection method: clinical testing. Allele origin: germline.
Comment: The TTN c.39250G>T variant is predicted to result in the amino acid substitution p.Val13084Leu. To our knowledge, this variant has not been reported in the literature. This variant is reported in 0.031% of alleles in individuals of Latino descent in gnomAD. At this time, the clinical significance of this variant is uncertain due to the absence of conclusive functional and genetic evidence.

CeGaT Center for Human Genetics Tuebingen
Classification: Uncertain significance. Last evaluated: 2025-05-01. Review status: criteria provided, single submitter. Criteria: CeGaT Center For Human Genetics Tuebingen Variant Classification Criteria Version 2. Collection method: clinical testing. Allele origin: germline. Affected: yes. Observed: 1 variant allele.
Comment: TTN: PM2, BP4

Revvity Omics, Revvity
Classification: Uncertain significance. Last evaluated: 2020-12-01. Review status: criteria provided, single submitter. Criteria: ACMG Guidelines, 2015. Collection method: clinical testing. Allele origin: germline.

GeneDx
Classification: Likely benign. Last evaluated: 2020-09-22. Review status: criteria provided, single submitter. Criteria: GeneDx Variant Classification Process June 2021. Collection method: clinical testing. Allele origin: germline. Affected: yes.

ARUP Laboratories, Molecular Genetics and Genomics, ARUP Laboratories
Classification: Uncertain significance. Last evaluated: 2018-04-11. Review status: criteria provided, single submitter. Criteria: ARUP Molecular Germline Variant Investigation Process. Collection method: clinical testing. Allele origin: germline.
Comment: The TTN c.31948G>T; p.Val10650Leu variant is rare in the general population (<1% allele frequency in the Genome Aggregation Database) and has not been reported in the medical literature in association with dilated cardiomyopathy (DCM) or other TTN-related disease. The clinical relevance of rare missense variants in this gene, which are identified on average once per individual sequenced in affected populations (Herman 2012), is not well understood. While the clinical significance of such variants is considered uncertain, evidence suggests that the vast majority of missense variants do not contribute to the clinical outcome of DCM (Begay 2015). Given the available evidence, the clinical significance of the p p.Val10650Leu variant cannot be determined with certainty.

Labcorp Genetics (formerly Invitae), Labcorp
Classification: Uncertain significance for Dilated cardiomyopathy 1G; Autosomal recessive limb-girdle muscular dystrophy type 2J. Last evaluated: 2017-08-31. Review status: criteria provided, single submitter. Criteria: Invitae Variant Classification Sherloc (09022015). Collection method: clinical testing. Allele origin: germline.

Eurofins Ntd Llc (ga)
Classification: Uncertain significance. Last evaluated: 2016-08-22. Review status: criteria provided, single submitter. Criteria: EGL Classification Definitions 2015. Collection method: clinical testing. Allele origin: germline. Observed: 2 variant alleles, 2 heterozygotes.